The following is an entry in ClinVar:

ClinVar aggregate classification (germline): Uncertain significance (1 of 4 stars; one submission).

Submission:

Labcorp Genetics (formerly Invitae), Labcorp
Classification: Uncertain significance. Last evaluated: 2022-11-24. Review status: criteria provided, single submitter. Criteria: Invitae Variant Classification Sherloc (09022015). Collection method: clinical testing. Allele origin: germline.
Comment: This variant has not been reported in the literature in individuals affected with FZD4-related conditions. This sequence change replaces methionine, which is neutral and non-polar, with isoleucine, which is neutral and non-polar, at codon 52 of the FZD4 protein (p.Met52Ile). This variant is not present in population databases (gnomAD no frequency). Advanced modeling of protein sequence and biophysical properties (such as structural, functional, and spatial information, amino acid conservation, physicochemical variation, residue mobility, and thermodynamic stability) performed at Invitae indicates that this missense variant is not expected to disrupt FZD4 protein function. In summary, the available evidence is currently insufficient to determine the role of this variant in disease. Therefore, it has been classified as a Variant of Uncertain Significance.

NM_012193.4(FZD4):c.156G>A (p.Met52Ile)

Gene: FZD4 (frizzled class receptor 4; minus strand). Cytogenetic location: 11q14.2.
Variant type: single nucleotide variant.
Coding change: c.156G>A on transcript NM_012193.4 (MANE Select); coding-DNA position 156, G replaced by A.
Protein change: p.Met52Ile; replaces methionine 52 with isoleucine.
Molecular consequence: missense variant.
Genome position (GRCh38, 1-based): chr11:86,954,930, C>T on the plus strand (G>A on the coding strand, the complement: FZD4 is on the minus strand). VCF-style: chr11-86954930-C-T. GRCh37 (hg19) VCF-style: chr11-86665972-C-T.
Other names: short protein forms M52I.
Identifiers: ClinVar variation 2816381 (VCV002816381.3), dbSNP rs2495874383, ClinGen allele CA382018397.
Genomic context (GRCh38, chr11:86,954,930, plus strand): 5'-CTGCAGCTCGTGCCCAACCAGGTTGGGCATCTTGGTCACGTTGTAGCCGAGGTTCTGGCA[C>T]ATGGAGATGCGGATGGGGTCGCAGCGCCGCTCTTCCTCGTCCCCGAAGCCCCGCGCCGGC-3'
Protein context (NP_036325.2, residues 42-62): ERRCDPIRIS[Met52Ile]CQNLGYNVTK